The following is an entry in ClinVar:

NM_032608.7(MYO18B):c.3431C>T (p.Ala1144Val)

Gene: MYO18B (myosin XVIIIB; plus strand). Cytogenetic location: 22q12.1.
Variant type: single nucleotide variant.
Coding change: c.3431C>T on transcript NM_032608.7 (MANE Select); coding-DNA position 3431, C replaced by T.
Protein change: p.Ala1144Val; replaces alanine 1144 with valine.
Molecular consequence: missense variant.
Genome position (GRCh38, 1-based): chr22:25,846,162, C>T. VCF-style: chr22-25846162-C-T. GRCh37 (hg19) VCF-style: chr22-26242129-C-T.
Other names: c.3431C>T (NM_032608.5); c.3434C>T, p.Ala1145Val (NM_001318245.2); short protein forms A1145V, A1144V.
Identifiers: ClinVar variation 710166 (VCV000710166.18), dbSNP rs185802314, ClinGen allele CA10160562.

ClinVar aggregate classification (germline): Conflicting classifications of pathogenicity. Review status: criteria provided, conflicting classifications (1 of 4 stars). 4 submissions from 4 submitters: Uncertain significance (2); Likely benign (1). 1 of the submissions does not count toward it. Last evaluated 2026-01-22.

Conditions:
Inborn genetic diseases. Identifiers: MedGen C0950123, MeSH D030342.
MYO18B-related disorder. Also called: MYO18B-related condition.

Allele frequency attached by ClinVar (database versions not stated): 1000 Genomes Project 0.00100; 1000 Genomes Project 30x 0.00109; gnomAD 0.00173 and 0.00198; TOPMed 0.00184; ESP Exome Variant Server 0.00211.
gnomAD v4.1: 510 of 1,609,852 alleles (0.032%); highest among the groups gnomAD compares: African/African-American, 0.62%; 1 homozygote.

Submissions (4):

Labcorp Genetics (formerly Invitae), Labcorp
Classification: Likely benign. Last evaluated: 2026-01-22. Review status: criteria provided, single submitter. Criteria: Invitae Variant Classification Sherloc (09022015). Collection method: clinical testing. Allele origin: germline.

Ambry Genetics
Classification: Uncertain significance for Inborn genetic diseases. Last evaluated: 2021-07-16. Review status: criteria provided, single submitter. Criteria: Ambry Variant Classification Scheme 2023. Collection method: clinical testing. Allele origin: germline.

Mayo Clinic Laboratories, Mayo Clinic
Classification: Uncertain significance. Last evaluated: 2019-04-15. Review status: criteria provided, single submitter. Criteria: ACMG Guidelines, 2015. Collection method: clinical testing. Allele origin: germline. Observed: 1 variant allele.

PreventionGenetics, part of Exact Sciences
Classification: Likely benign for MYO18B-related condition. Last evaluated: 2024-05-29. Review status: no assertion criteria provided. Collection method: clinical testing. Allele origin: germline. Not counted in ClinVar's aggregate classification.
Comment: This variant is classified as likely benign based on ACMG/AMP sequence variant interpretation guidelines (Richards et al. 2015 PMID: 25741868, with internal and published modifications).